The following is an entry in ClinVar:

NM_002693.3(POLG):c.3408G>C (p.Glu1136Asp)

Gene: POLG (DNA polymerase gamma, catalytic subunit; minus strand). Cytogenetic location: 15q26.1.
Variant type: single nucleotide variant.
Coding change: c.3408G>C on transcript NM_002693.3 (MANE Select); coding-DNA position 3408, G replaced by C.
Protein change: p.Glu1136Asp; replaces glutamic acid 1136 with aspartic acid.
Molecular consequence: missense variant.
Genome position (GRCh38, 1-based): chr15:89,318,615, C>G on the plus strand (G>C on the coding strand, the complement: POLG is on the minus strand). VCF-style: chr15-89318615-C-G. GRCh37 (hg19) VCF-style: chr15-89861846-C-G.
Other names: c.3408G>C, p.Glu1136Asp (NM_001126131.2); short protein forms E1136D.
Identifiers: ClinVar variation 937766 (VCV000937766.19), dbSNP rs755725702, ClinGen allele CA7724148.
Genomic context (GRCh38, chr15:89,318,615, plus strand): 5'-GGTGATCTGCAAGGCCAGGGCAGCGCGGTAGCGGTCCTCCTCCCGCACCAGGTAGCGAAC[C>G]TCGTCATGGATGCTGATGCAGAAGCGCCCATCTATGGCAAACTCTTCAAACAGCCACTTC-3'
Protein context (NP_002684.1, residues 1126-1146): DGRFCISIHD[Glu1136Asp]VRYLVREEDR

ClinVar aggregate classification (germline): Conflicting classifications of pathogenicity. Review status: criteria provided, conflicting classifications (1 of 4 stars). 4 submissions from 4 submitters: Likely pathogenic (1); Uncertain significance (3). Last evaluated 2025-12-26.

Conditions:
Inborn genetic diseases. Identifiers: MedGen C0950123, MeSH D030342.
Progressive sclerosing poliodystrophy (MTDPS4A). Also called: NEURONAL DEGENERATION OF CHILDHOOD WITH LIVER DISEASE, PROGRESSIVE; ALPERS PROGRESSIVE INFANTILE POLIODYSTROPHY; Mitochondrial DNA Depletion Syndrome 4A; Alpers-Huttenlocher Syndrome (AHS); Alpers Syndrome; ALPERS DIFFUSE DEGENERATION OF CEREBRAL GRAY MATTER WITH HEPATIC CIRRHOSIS. Identifiers: Orphanet 726, MedGen C0205710, MONDO:0008758, OMIM 203700.

Allele frequency attached by ClinVar (database versions not stated): ExAC 0.00001; gnomAD 0.00001; gnomAD exomes 0.00001 and 0.00002; TOPMed 0.00003.
gnomAD v4.1: 6 of 1,614,088 alleles (0.00037%); highest among the groups gnomAD compares: Admixed American, 0.0083%; no homozygotes.

Submissions (4):

Labcorp Genetics (formerly Invitae), Labcorp
Classification: Likely pathogenic for Progressive sclerosing poliodystrophy. Last evaluated: 2025-12-26. Review status: criteria provided, single submitter. Criteria: Invitae Variant Classification Sherloc (09022015). Collection method: clinical testing. Allele origin: germline.
Comment: This sequence change replaces glutamic acid, which is acidic and polar, with aspartic acid, which is acidic and polar, at codon 1136 of the POLG protein (p.Glu1136Asp). This variant is present in population databases (rs755725702, gnomAD 0.009%). This variant has not been reported in the literature in individuals affected with POLG-related conditions. ClinVar contains an entry for this variant (Variation ID: 937766). Invitae Evidence Modeling of protein sequence and biophysical properties (such as structural, functional, and spatial information, amino acid conservation, physicochemical variation, residue mobility, and thermodynamic stability) indicates that this missense variant is expected to disrupt POLG protein function with a positive predictive value of 95%. This variant disrupts the p.Glu1136 amino acid residue in POLG. Other variant(s) that disrupt this residue have been determined to be pathogenic (PMID: 18828154, 30423451, 34194468). This suggests that this residue is clinically significant, and that variants that disrupt this residue are likely to be disease-causing. In summary, the currently available evidence indicates that the variant is pathogenic, but additional data are needed to prove that conclusively. Therefore, this variant has been classified as Likely Pathogenic.

GeneDx
Classification: Uncertain significance. Last evaluated: 2025-07-28. Review status: criteria provided, single submitter. Criteria: GeneDx Variant Classification Process June 2021. Collection method: clinical testing. Allele origin: germline. Affected: yes.
Comment: Has not been previously published as pathogenic or benign to our knowledge; Not observed at significant frequency in large population cohorts (gnomAD); In silico analysis supports that this missense variant has a deleterious effect on protein structure/function; This variant is associated with the following publications: (PMID: 18828154, 25585994)

Women's Health and Genetics/Laboratory Corporation of America, LabCorp
Classification: Uncertain significance. Last evaluated: 2025-06-11. Review status: criteria provided, single submitter. Criteria: LabCorp Variant Classification Summary - May 2015. Collection method: clinical testing. Allele origin: germline.
Comment: Variant summary: POLG c.3408G>C (p.Glu1136Asp) results in a conservative amino acid change located in the DNA-directed DNA polymerase, family A, palm domain (IPR001098) of the encoded protein sequence. Algorithms developed to predict the effect of missense changes on protein structure and function are either unavailable or do not agree on the potential impact of this missense change. The variant allele was found at a frequency of 1.6e-05 in 251458 control chromosomes. The available data on variant occurrences in the general population are insufficient to allow any conclusion about variant significance. To our knowledge, no occurrence of c.3408G>C in individuals affected with Mitochondrial DNA Depletion Syndrome - POLG Related and no experimental evidence demonstrating its impact on protein function have been reported. ClinVar contains an entry for this variant (Variation ID: 937766). Based on the evidence outlined above, the variant was classified as uncertain significance.

Ambry Genetics
Classification: Uncertain significance for Inborn genetic diseases. Last evaluated: 2022-02-22. Review status: criteria provided, single submitter. Criteria: Ambry Variant Classification Scheme 2023. Collection method: clinical testing. Allele origin: germline.

Literature cited by the submitters: PubMed 18828154 (cited by Labcorp Genetics (formerly Invitae), Labcorp); PubMed 30423451 (cited by Labcorp Genetics (formerly Invitae), Labcorp); PubMed 34194468 (cited by Labcorp Genetics (formerly Invitae), Labcorp).